The following is an entry in ClinVar:

ClinVar aggregate classification (germline): Likely pathogenic (1 of 4 stars; one submission).

Conditions:
Lethal congenital contractural syndrome Finnish type.

Submission:

Natera, Inc.
Classification: Likely pathogenic for Lethal congenital contractural syndrome Finnish type. Last evaluated: 2024-11-01. Review status: criteria provided, single submitter. Criteria: Natera Variant Classification Schema (03/2026). Collection method: clinical testing. Allele origin: germline.
Comment: The c.754C>T variant in GLE1 is a nonsense variant predicted to introduce a stop codon at amino acid 252. This variant is expected to result in nonsense mediated decay, truncation, or a dysfunctional protein product. This variant is rare in the general population with a frequency below the threshold expected for the associated phenotype(s). Given the available evidence, this variant is classified as Likely Pathogenic.

NM_001003722.2(GLE1):c.754C>T (p.Gln252Ter)

Gene: GLE1 (GLE1 RNA export mediator; plus strand). Cytogenetic location: 9q34.11.
Variant type: single nucleotide variant.
Coding change: c.754C>T on transcript NM_001003722.2 (MANE Select); coding-DNA position 754, C replaced by T.
Protein change: p.Gln252Ter; replaces glutamine 252 with a stop codon.
Molecular consequence: nonsense.
Genome position (GRCh38, 1-based): chr9:128,523,703, C>T. VCF-style: chr9-128523703-C-T. GRCh37 (hg19) VCF-style: chr9-131285982-C-T.
Other names: c.754C>T, p.Gln252Ter (NM_001411013.1, NM_001499.2); short protein forms Q252*.
Identifiers: ClinVar variation 4814501 (VCV004814501.1).